The following is an entry in ClinVar:

NM_017534.6(MYH2):c.5371_5391del (p.Asn1791_Lys1797del)

Genes: MYH2 (myosin heavy chain 2; minus strand), MYHAS (myosin heavy chain gene cluster antisense RNA; plus strand). Cytogenetic location: 17p13.1.
Variant type: Deletion.
Coding change: c.5371_5391del on transcript NM_017534.6 (MANE Select); coding-DNA positions 5371 to 5391, 21 bases deleted (AACATGGAGCAGACCGTGAAG).
Protein change: p.Asn1791_Lys1797del.
Molecular consequence: inframe deletion.
Genome position (GRCh38, 1-based): chr17:10,523,577-10,523,597, CTTCACGGTCTGCTCCATGTT deleted on the plus strand (AACATGGAGCAGACCGTGAAG on the coding strand, the reverse complement: MYH2 is on the minus strand); deleting any 21 consecutive bases within chr17:10,523,577-10,523,601 gives the same sequence; the c. name uses the placement nearest the transcript's 3' end. VCF-style (leftmost placement, unchanged base first): chr17-10523576-CCTTCACGGTCTGCTCCATGTT-C. GRCh37 (hg19) VCF-style: chr17-10426893-CCTTCACGGTCTGCTCCATGTT-C.
Other names: c.5371_5391del, p.Asn1791_Lys1797del (NM_001100112.2).
Identifiers: ClinVar variation 1059162 (VCV001059162.5), dbSNP rs2142290581, ClinGen allele CA2499223894.
Genomic context (GRCh38, chr17:10,523,576, plus strand): 5'-TCTGCTTCTTCCCACCCTTCAGGGCCAGCTGCTCAGCCTCATCCAGACGGAGCTGCAGAT[CCTTCACGGTCTGCTCCATGTT>C]CTTCTTCATCCGCTCCAGGTGGGCGCTGGTGTCCTGCTCCTTCTTCAGCTCCTCAGCCAT-3'

ClinVar aggregate classification (germline): Uncertain significance (1 of 4 stars; one submission).

Conditions:
Myopathy, proximal, and ophthalmoplegia (CMYO6). Also called: INCLUSION BODY MYOPATHY 3, AUTOSOMAL DOMINANT; MYOPATHY WITH CONGENITAL JOINT CONTRACTURES, OPHTHALMOPLEGIA, AND RIMMED VACUOLES; CONGENITAL MYOPATHY 6 WITH OPHTHALMOPLEGIA. Identifiers: Orphanet 363677, Orphanet 79091, MedGen C1854106, MONDO:0011577, OMIM 605637.

Submission:

Labcorp Genetics (formerly Invitae), Labcorp
Classification: Uncertain significance for Myopathy, proximal, and ophthalmoplegia. Last evaluated: 2020-08-08. Review status: criteria provided, single submitter. Criteria: Invitae Variant Classification Sherloc (09022015). Collection method: clinical testing. Allele origin: germline.
Comment: This variant, c.5371_5391del, results in the deletion of 7 amino acid(s) of the MYH2 protein (p.Asn1791_Lys1797del), but otherwise preserves the integrity of the reading frame. This variant is not present in population databases (ExAC no frequency). This variant has not been reported in the literature in individuals with MYH2-related conditions. Experimental studies and prediction algorithms are not available or were not evaluated, and the functional significance of this variant is currently unknown. In summary, the available evidence is currently insufficient to determine the role of this variant in disease. Therefore, it has been classified as a Variant of Uncertain Significance.